The following is an entry in ClinVar:

NM_020975.6(RET):c.1706A>G (p.His569Arg)

Gene: RET (ret proto-oncogene; plus strand). Cytogenetic location: 10q11.21.
Variant type: single nucleotide variant.
Coding change: c.1706A>G on transcript NM_020975.6 (MANE Select); coding-DNA position 1706, A replaced by G.
Protein change: p.His569Arg; replaces histidine 569 with arginine.
Molecular consequence: missense variant.
Genome position (GRCh38, 1-based): chr10:43,112,910, A>G. VCF-style: chr10-43112910-A-G. GRCh37 (hg19) VCF-style: chr10-43608358-A-G.
Other names: c.1706A>G, p.His569Arg (NM_000323.2, NM_001406743.1, NM_001406744.1 and 6 more transcripts); c.944A>G, p.His315Arg (NM_001355216.2); c.1577A>G, p.His526Arg (NM_001406761.1, NM_001406762.1, NM_001406764.1 and 1 more transcripts); c.1418A>G, p.His473Arg (NM_001406766.1, NM_001406767.1, NM_001406770.1); c.1310A>G, p.His437Arg (NM_001406769.1, NM_001406772.1); c.1268A>G, p.His423Arg (NM_001406771.1, NM_001406773.1); c.1181A>G, p.His394Arg (NM_001406774.1); c.980A>G, p.His327Arg (NM_001406775.1, NM_001406776.1, NM_001406777.1 and 1 more transcripts); and 5 more; short protein forms H315R, H569R, H239R, H270R, H473R, H174R, H394R, H437R.
Identifiers: ClinVar variation 1437631 (VCV001437631.12), dbSNP rs765256156, ClinGen allele CA035149.

ClinVar aggregate classification (germline): Uncertain significance. Review status: criteria provided, multiple submitters, no conflicts (2 of 4 stars). 4 submissions from 4 submitters: Uncertain significance (4). Last evaluated 2025-07-29.

Conditions:
Hereditary cancer-predisposing syndrome. Also called: Neoplastic Syndromes, Hereditary; Hereditary Cancer Syndrome; Hereditary neoplastic syndrome; Tumor predisposition. Identifiers: Orphanet 140162, MedGen C0027672, MeSH D009386, MONDO:0015356.
Multiple endocrine neoplasia, type 2 (MEN2). Identifiers: Orphanet 653, MedGen C4048306, MONDO:0019003. Disease mechanism: gain of function.

Allele frequency attached by ClinVar (database versions not stated): ExAC 0.00001; gnomAD exomes 0.00001.
gnomAD v4.1: 14 of 1,614,120 alleles (0.00087%); highest among the groups gnomAD compares: Middle Eastern, 0.017%; no homozygotes.

Submissions (4):

Labcorp Genetics (formerly Invitae), Labcorp
Classification: Uncertain significance for Multiple endocrine neoplasia, type 2. Last evaluated: 2025-07-29. Review status: criteria provided, single submitter. Criteria: Invitae Variant Classification Sherloc (09022015). Collection method: clinical testing. Allele origin: germline.
Comment: This sequence change replaces histidine, which is basic and polar, with arginine, which is basic and polar, at codon 569 of the RET protein (p.His569Arg). This variant is present in population databases (rs765256156, gnomAD 0.006%). This variant has not been reported in the literature in individuals affected with RET-related conditions. ClinVar contains an entry for this variant (Variation ID: 1437631). An algorithm developed to predict the effect of missense changes on protein structure and function (PolyPhen-2) suggests that this variant is likely to be tolerated. In summary, the available evidence is currently insufficient to determine the role of this variant in disease. Therefore, it has been classified as a Variant of Uncertain Significance.

Color Diagnostics, LLC DBA Color Health
Classification: Uncertain significance for Multiple endocrine neoplasia, type 2. Last evaluated: 2025-07-17. Review status: criteria provided, single submitter. Criteria: ACMG Guidelines, 2015. Collection method: clinical testing. Allele origin: germline.
Comment: This missense variant replaces histidine with arginine at codon 569 of the RET protein. Computational prediction suggests that this variant may not impact protein structure and function. To our knowledge, functional studies have not been reported for this variant. This variant has not been reported in individuals affected with RET-related disorders in the literature. This variant has been identified in 2/251400 chromosomes in the general population by the Genome Aggregation Database (gnomAD). The available evidence is insufficient to determine the role of this variant in disease conclusively. Therefore, this variant is classified as a Variant of Uncertain Significance.

Ambry Genetics
Classification: Uncertain significance for Hereditary cancer-predisposing syndrome. Last evaluated: 2024-09-21. Review status: criteria provided, single submitter. Criteria: Ambry Variant Classification Scheme 2023. Collection method: clinical testing. Allele origin: germline.
Comment: The p.H569R variant (also known as c.1706A>G), located in coding exon 9 of the RET gene, results from an A to G substitution at nucleotide position 1706. The histidine at codon 569 is replaced by arginine, an amino acid with highly similar properties. This amino acid position is conserved. In addition, the in silico prediction for this alteration is inconclusive. Since supporting evidence is limited at this time, the clinical significance of this alteration remains unclear.

All of Us Research Program, National Institutes of Health
Classification: Uncertain significance for Multiple endocrine neoplasia, type 2. Last evaluated: 2024-03-05. Review status: criteria provided, single submitter. Criteria: ACMG Guidelines, 2015. Collection method: clinical testing. Allele origin: germline. Inheritance: Autosomal dominant inheritance. Observed: 2 variant alleles, 2 heterozygotes.
Comment: This study involves interpretation of variants in research participants for the purpose of population health screening. Participant phenotype was not available at the time of variant classification. Additional details can be found in publication PMID: 35346344, PMCID: PMC8962531